The following is an entry in ClinVar:

ClinVar aggregate classification (germline): Uncertain significance (1 of 4 stars; one submission).

Conditions:
GLUT1 deficiency syndrome 1, autosomal recessive. Identifiers: MedGen C3149117.

Allele frequency attached by ClinVar (database versions not stated): gnomAD exomes below 0.00001; TOPMed below 0.00001; ExAC 0.00001.
gnomAD v4.1: 7 of 1,613,736 alleles (0.00043%); highest among the groups gnomAD compares: South Asian, 0.0066%; no homozygotes.

Submission:

Labcorp Genetics (formerly Invitae), Labcorp
Classification: Uncertain significance for GLUT1 deficiency syndrome 1, autosomal recessive. Last evaluated: 2018-08-29. Review status: criteria provided, single submitter. Criteria: Invitae Variant Classification Sherloc (09022015). Collection method: clinical testing. Allele origin: germline.
Comment: In summary, this variant is a rare missense change with uncertain impact on protein function. There is no indication that it causes disease, but the available evidence is currently insufficient to prove that conclusively. Therefore, it has been classified as a Variant of Uncertain Significance. Algorithms developed to predict the effect of missense changes on protein structure and function do not agree on the potential impact of this missense change (SIFT: "Deleterious"; PolyPhen-2: "Benign"; Align-GVGD: "Class C15"). This variant is present in population databases (rs574211861, ExAC 0.006%) but has not been reported in the literature in individuals with a SLC2A1-related disease. ClinVar contains an entry for this variant (Variation ID: 240685). This sequence change replaces proline with arginine at codon 266 of the SLC2A1 protein (p.Pro266Arg). The proline residue is highly conserved and there is a moderate physicochemical difference between proline and arginine.

NM_006516.4(SLC2A1):c.797C>G (p.Pro266Arg)

Gene: SLC2A1 (solute carrier family 2 member 1; minus strand). Cytogenetic location: 1p34.2.
Variant type: single nucleotide variant.
Coding change: c.797C>G on transcript NM_006516.4 (MANE Select); coding-DNA position 797, C replaced by G.
Protein change: p.Pro266Arg; replaces proline 266 with arginine.
Molecular consequence: missense variant.
Genome position (GRCh38, 1-based): chr1:42,929,663, G>C on the plus strand (C>G on the coding strand, the complement: SLC2A1 is on the minus strand). VCF-style: chr1-42929663-G-C. GRCh37 (hg19) VCF-style: chr1-43395334-G-C.
Other names: short protein forms P266R.
Identifiers: ClinVar variation 240685 (VCV000240685.10), dbSNP rs574211861, ClinGen allele CA803453.